The following is an entry in ClinVar:

ClinVar aggregate classification (germline): Uncertain significance. Review status: criteria provided, multiple submitters, no conflicts (2 of 4 stars). 3 submissions from 3 submitters: Uncertain significance (3). Last evaluated 2022-06-27.

Conditions:
Jeune thoracic dystrophy. Also called: Jeune syndrome; Infantile thoracic dystrophy; Thoracic pelvic phalangeal dystrophy; Jeune's syndrome; Chondroectodermal dysplasia-like syndrome; Short-rib thoracic dysplasia. Identifiers: Orphanet 474, MedGen C0265275, MONDO:0018770.
Inborn genetic diseases. Identifiers: MedGen C0950123, MeSH D030342.

Allele frequency attached by ClinVar (database versions not stated): gnomAD 0.00001; gnomAD exomes 0.00001 and 0.00004; TOPMed 0.00002; ExAC 0.00003; 1000 Genomes Project 0.00020; 1000 Genomes Project 30x 0.00031.
gnomAD v4.1: 22 of 1,611,996 alleles (0.0014%); highest among the groups gnomAD compares: Admixed American, 0.03%; no homozygotes.

Submissions (3):

Labcorp Genetics (formerly Invitae), Labcorp
Classification: Uncertain significance for Jeune thoracic dystrophy. Last evaluated: 2022-06-27. Review status: criteria provided, single submitter. Criteria: Invitae Variant Classification Sherloc (09022015). Collection method: clinical testing. Allele origin: germline.
Comment: This sequence change replaces phenylalanine, which is neutral and non-polar, with isoleucine, which is neutral and non-polar, at codon 2223 of the DYNC2H1 protein (p.Phe2223Ile). This variant is present in population databases (rs191633349, gnomAD 0.03%). This variant has not been reported in the literature in individuals affected with DYNC2H1-related conditions. ClinVar contains an entry for this variant (Variation ID: 852204). Advanced modeling of protein sequence and biophysical properties (such as structural, functional, and spatial information, amino acid conservation, physicochemical variation, residue mobility, and thermodynamic stability) performed at Invitae indicates that this missense variant is not expected to disrupt DYNC2H1 protein function. In summary, the available evidence is currently insufficient to determine the role of this variant in disease. Therefore, it has been classified as a Variant of Uncertain Significance.

Ambry Genetics
Classification: Uncertain significance for Inborn genetic diseases. Last evaluated: 2021-07-06. Review status: criteria provided, single submitter. Criteria: Ambry Variant Classification Scheme 2023. Collection method: clinical testing. Allele origin: germline.

Breakthrough Genomics
Classification: Uncertain significance. Review status: criteria provided, single submitter. Criteria: ACMG Guidelines, 2015. Collection method: not provided. Allele origin: germline. Inheritance: Autosomal recessive inheritance. Affected: yes.

NM_001377.3(DYNC2H1):c.6667T>A (p.Phe2223Ile)

Gene: DYNC2H1 (dynein cytoplasmic 2 heavy chain 1; plus strand). Cytogenetic location: 11q22.3.
Variant type: single nucleotide variant.
Coding change: c.6667T>A on transcript NM_001377.3 (MANE Select); coding-DNA position 6667, T replaced by A.
Protein change: p.Phe2223Ile; replaces phenylalanine 2223 with isoleucine.
Molecular consequence: missense variant.
Genome position (GRCh38, 1-based): chr11:103,186,275, T>A. VCF-style: chr11-103186275-T-A. GRCh37 (hg19) VCF-style: chr11-103057004-T-A.
Other names: c.6667T>A, p.Phe2223Ile (NM_001080463.2); short protein forms F2223I.
Identifiers: ClinVar variation 852204 (VCV000852204.6), dbSNP rs191633349, ClinGen allele CA6254038.